The following is an entry in ClinVar:

NM_004586.3(RPS6KA3):c.1226A>G (p.Gln409Arg)

Gene: RPS6KA3 (ribosomal protein S6 kinase A3; minus strand). Cytogenetic location: Xp22.12.
Variant type: single nucleotide variant.
Coding change: c.1226A>G on transcript NM_004586.3 (MANE Select); coding-DNA position 1226, A replaced by G.
Protein change: p.Gln409Arg; replaces glutamine 409 with arginine.
Molecular consequence: missense variant.
Genome position (GRCh38, 1-based): chrX:20,175,165, T>C on the plus strand (A>G on the coding strand, the complement: RPS6KA3 is on the minus strand). VCF-style: chrX-20175165-T-C. GRCh37 (hg19) VCF-style: chrX-20193283-T-C.
Other names: NC_000023.10:g.20193283T>C; c.1142A>G, p.Gln381Arg (NM_001438340.1); short protein forms Q381R, Q409R.
Identifiers: ClinVar variation 4484257 (VCV004484257.2).

ClinVar aggregate classification (germline): Uncertain significance (1 of 4 stars; one submission).

Conditions:
Coffin-Lowry syndrome (CLS). Also called: Mental retardation with osteocartilaginous abnormalities; COFFIN-LOWRY SYNDROME, MILD. Identifiers: Orphanet 192, MedGen C0265252, MONDO:0010561, OMIM 303600.
Intellectual developmental disorder, X-linked 19. Also called: Intellectual disability, X-linked 19. Identifiers: Orphanet 777, MedGen C0796225, MONDO:0010447, OMIM 300844.

Submissions (2):

Labcorp Genetics (formerly Invitae), Labcorp
Classification: Uncertain significance for Coffin-Lowry syndrome; Intellectual developmental disorder, X-linked 19. Last evaluated: 2026-01-11. Review status: criteria provided, single submitter. Criteria: Invitae Variant Classification Sherloc (09022015). Collection method: clinical testing. Allele origin: germline.
Comment: This sequence change replaces glutamine, which is neutral and polar, with arginine, which is basic and polar, at codon 409 of the RPS6KA3 protein (p.Gln409Arg). This variant is not present in population databases (gnomAD no frequency). This variant has not been reported in the literature in individuals affected with RPS6KA3-related conditions. Invitae Evidence Modeling of protein sequence and biophysical properties (such as structural, functional, and spatial information, amino acid conservation, physicochemical variation, residue mobility, and thermodynamic stability) indicates that this missense variant is not expected to disrupt RPS6KA3 protein function with a negative predictive value of 95%. In summary, the available evidence is currently insufficient to determine the role of this variant in disease. Therefore, it has been classified as a Variant of Uncertain Significance.

Dr. Peter K. Rogan Lab, Western University
No classification provided (evidence only). Condition: Nonpapillary renal cell carcinoma. Review status: no classification provided. Collection method: in vitro. Allele origin: not applicable. Functional consequence: retained intron. Not counted in ClinVar's aggregate classification.